The following is an entry in ClinVar:

NM_018136.5(ASPM):c.8203T>G (p.Phe2735Val)

Gene: ASPM (assembly factor for spindle microtubules; minus strand). Cytogenetic location: 1q31.3.
Variant type: single nucleotide variant.
Coding change: c.8203T>G on transcript NM_018136.5 (MANE Select); coding-DNA position 8203, T replaced by G.
Protein change: p.Phe2735Val; replaces phenylalanine 2735 with valine.
Molecular consequence: missense variant. On other transcripts: intron variant (1).
Genome position (GRCh38, 1-based): chr1:197,101,048, A>C on the plus strand (T>G on the coding strand, the complement: ASPM is on the minus strand). VCF-style: chr1-197101048-A-C. GRCh37 (hg19) VCF-style: chr1-197070178-A-C.
Other names: c.4066-4884T>G (NM_001206846.2); short protein forms F2735V.
Identifiers: ClinVar variation 157890 (VCV000157890.22), dbSNP rs372416792, ClinGen allele CA271118.

ClinVar aggregate classification (germline): Conflicting classifications of pathogenicity. Review status: criteria provided, conflicting classifications (1 of 4 stars). 6 submissions from 6 submitters: Uncertain significance (1); Benign (2); Likely benign (2). 1 of the submissions does not count toward it. Last evaluated 2026-01-18.

Conditions:
ASPM-related disorder. Also called: ASPM-related condition.
Microcephaly 5, primary, autosomal recessive (MCPH5). Also called: ASPM Primary Microcephaly. Identifiers: Orphanet 2512, MedGen C1837501, MONDO:0012106, OMIM 608716.

Allele frequency attached by ClinVar (database versions not stated): gnomAD exomes 0.00081 and 0.00177; ExAC 0.00204; 1000 Genomes Project 30x 0.00484; 1000 Genomes Project 0.00559; gnomAD 0.00002 and 0.00048; ESP Exome Variant Server 0.00008; TOPMed 0.00011.
gnomAD v4.1: 1,278 of 1,611,622 alleles (0.079%); highest among the groups gnomAD compares: South Asian, 1.3%; 24 homozygotes.

Submissions (6):

Labcorp Genetics (formerly Invitae), Labcorp
Classification: Benign. Last evaluated: 2026-01-18. Review status: criteria provided, single submitter. Criteria: Invitae Variant Classification Sherloc (09022015). Collection method: clinical testing. Allele origin: germline.

GeneDx
Classification: Benign. Last evaluated: 2018-05-02. Review status: criteria provided, single submitter. Criteria: GeneDx Variant Classification (06012015). Collection method: clinical testing. Allele origin: germline. Affected: yes.
Comment: This variant is considered likely benign or benign based on one or more of the following criteria: it is a conservative change, it occurs at a poorly conserved position in the protein, it is predicted to be benign by multiple in silico algorithms, and/or has population frequency not consistent with disease.

Illumina Laboratory Services, Illumina
Classification: Likely benign for Microcephaly 5, primary, autosomal recessive. Last evaluated: 2018-01-12. Review status: criteria provided, single submitter. Criteria: ICSL Variant Classification Criteria 13 December 2019. Collection method: clinical testing. Allele origin: germline.
Comment: This variant was observed in the ICSL laboratory as part of a predisposition screen in an ostensibly healthy population. It had not been previously curated by ICSL or reported in the Human Gene Mutation Database (HGMD: prior to June 1st, 2018), and was therefore a candidate for classification through an automated scoring system. Utilizing variant allele frequency, disease prevalence and penetrance estimates, and inheritance mode, an automated score was calculated to assess if this variant is too frequent to cause the disease. Based on the score and internal cut-off values, a variant classified as likely benign is not then subjected to further curation. The score for this variant resulted in a classification of likely benign for this disease.

Athena Diagnostics
Classification: Likely benign. Last evaluated: 2017-11-16. Review status: criteria provided, single submitter. Criteria: Athena Diagnostics Criteria. Collection method: clinical testing. Allele origin: germline.

Genetic Services Laboratory, University of Chicago
Classification: Uncertain significance for Microcephaly 5, primary, autosomal recessive. Last evaluated: 2013-02-08. Review status: criteria provided, single submitter. Criteria: ACMG Guidelines, 2007. Collection method: clinical testing. Allele origin: germline. Inheritance: Autosomal recessive inheritance.

PreventionGenetics, part of Exact Sciences
Classification: Benign for ASPM-related condition. Last evaluated: 2019-07-31. Review status: no assertion criteria provided. Collection method: clinical testing. Allele origin: germline. Not counted in ClinVar's aggregate classification.
Comment: This variant is classified as benign based on ACMG/AMP sequence variant interpretation guidelines (Richards et al. 2015 PMID: 25741868, with internal and published modifications).